The following is an entry in ClinVar:

ClinVar aggregate classification (germline): Uncertain significance. Review status: criteria provided, multiple submitters, no conflicts (2 of 4 stars). 2 submissions from 2 submitters: Uncertain significance (2). Last evaluated 2026-01-21.

Conditions:
Cholestanol storage disease (CTX). Also called: CEREBRAL CHOLESTERINOSIS; Cerebrotendinous Xanthomatosis; CTX: Cerebrotendinous xanthomatosis. Identifiers: Orphanet 909, MedGen C0238052, MONDO:0008948, OMIM 213700.
Cardiovascular phenotype. Identifiers: MedGen CN230736.

Allele frequency attached by ClinVar (database versions not stated): gnomAD exomes below 0.00001; TOPMed 0.00001.

Submissions (2):

Ambry Genetics
Classification: Uncertain significance for Cardiovascular phenotype. Last evaluated: 2026-01-21. Review status: criteria provided, single submitter. Criteria: Ambry Variant Classification Scheme 2023. Collection method: clinical testing. Allele origin: germline.
Comment: The p.D129N variant (also known as c.385G>A), located in coding exon 2 of the CYP27A1 gene, results from a G to A substitution at nucleotide position 385. The aspartic acid at codon 129 is replaced by asparagine, an amino acid with highly similar properties. This amino acid position is conserved. In addition, this alteration is predicted to be tolerated by in silico analysis. Based on the available evidence, the clinical significance of this variant remains unclear.

Labcorp Genetics (formerly Invitae), Labcorp
Classification: Uncertain significance for Cholestanol storage disease. Last evaluated: 2022-06-26. Review status: criteria provided, single submitter. Criteria: Invitae Variant Classification Sherloc (09022015). Collection method: clinical testing. Allele origin: germline.
Comment: This sequence change replaces aspartic acid, which is acidic and polar, with asparagine, which is neutral and polar, at codon 129 of the CYP27A1 protein (p.Asp129Asn). This variant is present in population databases (no rsID available, gnomAD 0.003%). This variant has not been reported in the literature in individuals affected with CYP27A1-related conditions. Advanced modeling of protein sequence and biophysical properties (such as structural, functional, and spatial information, amino acid conservation, physicochemical variation, residue mobility, and thermodynamic stability) performed at Invitae indicates that this missense variant is not expected to disrupt CYP27A1 protein function. In summary, the available evidence is currently insufficient to determine the role of this variant in disease. Therefore, it has been classified as a Variant of Uncertain Significance.

NM_000784.4(CYP27A1):c.385G>A (p.Asp129Asn)

Gene: CYP27A1 (cytochrome P450 family 27 subfamily A member 1; plus strand). Cytogenetic location: 2q35.
Variant type: single nucleotide variant.
Coding change: c.385G>A on transcript NM_000784.4 (MANE Select); coding-DNA position 385, G replaced by A.
Protein change: p.Asp129Asn; replaces aspartic acid 129 with asparagine.
Molecular consequence: missense variant.
Genome position (GRCh38, 1-based): chr2:218,809,706, G>A. VCF-style: chr2-218809706-G-A. GRCh37 (hg19) VCF-style: chr2-219674429-G-A.
Other names: c.385G>A (NM_000784.3); short protein forms D129N.
Identifiers: ClinVar variation 2150028 (VCV002150028.3), dbSNP rs1193291074, ClinGen allele CA350583489.